The following is an entry in ClinVar:

NM_003482.4(KMT2D):c.2737_2748del (p.Glu913_Pro916del)

Gene: KMT2D (lysine methyltransferase 2D; minus strand). Cytogenetic location: 12q13.12.
Variant type: Deletion.
Coding change: c.2737_2748del on transcript NM_003482.4 (MANE Select); coding-DNA positions 2737 to 2748, 12 bases deleted (GAGGAGCTGCCG).
Protein change: p.Glu913_Pro916del.
Molecular consequence: inframe deletion. On other transcripts: inframe indel (1).
Genome position (GRCh38, 1-based): chr12:49,050,935-49,050,946, CGGCAGCTCCTC deleted on the plus strand (GAGGAGCTGCCG on the coding strand, the reverse complement: KMT2D is on the minus strand). VCF-style (leftmost placement, unchanged base first): chr12-49050934-ACGGCAGCTCCTC-A. GRCh37 (hg19) VCF-style: chr12-49444717-ACGGCAGCTCCTC-A.
Other names: c.2737_2748delGAGGAGCTGCCG, p.Glu913_Pro916del (NM_003482.3); c.2737_2748del12 (NM_003482.3).
Identifiers: ClinVar variation 1723486 (VCV001723486.8), dbSNP rs1286374158, ClinGen allele CA605234053.

ClinVar aggregate classification (germline): Uncertain significance. Review status: criteria provided, multiple submitters, no conflicts (2 of 4 stars). 5 submissions from 5 submitters: Uncertain significance (4). 1 of the submissions does not count toward it. Last evaluated 2024-07-19.

Conditions:
Kabuki syndrome 1 (KABUK1). Also called: KMT2D-Related Kabuki Syndrome. Identifiers: Orphanet 2322, MedGen CN030661, MONDO:0007843, OMIM 147920.
Choanal atresia-athelia-hypothyroidism-delayed puberty-short stature syndrome (BCAHH). Also called: BRANCHIAL ARCH ABNORMALITIES, CHOANAL ATRESIA, ATHELIA, HEARING LOSS, AND HYPOTHYROIDISM SYNDROME. Identifiers: Orphanet 589856, MedGen C5680310, MONDO:0035651, OMIM 620186.
KMT2D-related disorder. Also called: KMT2D-Related Disorders.
Kabuki syndrome. Also called: NIIKAWA-KUROKI SYNDROME; Kabuki make-up syndrome. Identifiers: Orphanet 2322, MedGen C0796004, MONDO:0016512.

Allele frequency attached by ClinVar (database versions not stated): gnomAD exomes below 0.00001.

Submissions (5):

Blueprint Genetics
Classification: Uncertain significance. Last evaluated: 2024-07-19. Review status: criteria provided, single submitter. Criteria: ACMG Guidelines, 2015. Collection method: clinical testing. Allele origin: germline.

Fulgent Genetics
Classification: Uncertain significance for Kabuki syndrome 1; Choanal atresia-athelia-hypothyroidism-delayed puberty-short stature syndrome. Last evaluated: 2024-05-07. Review status: criteria provided, single submitter. Criteria: ACMG Guidelines, 2015. Collection method: clinical testing. Allele origin: germline.

Labcorp Genetics (formerly Invitae), Labcorp
Classification: Uncertain significance for Kabuki syndrome. Last evaluated: 2022-10-25. Review status: criteria provided, single submitter. Criteria: Invitae Variant Classification Sherloc (09022015). Collection method: clinical testing. Allele origin: germline.
Comment: In summary, the available evidence is currently insufficient to determine the role of this variant in disease. Therefore, it has been classified as a Variant of Uncertain Significance. Experimental studies and prediction algorithms are not available or were not evaluated, and the functional significance of this variant is currently unknown. This variant has not been reported in the literature in individuals affected with KMT2D-related conditions. This variant is present in population databases (no rsID available, gnomAD 0.001%). This variant, c.2737_2748del, results in the deletion of 4 amino acid(s) of the KMT2D protein (p.Glu913_Pro916del), but otherwise preserves the integrity of the reading frame.

GeneDx
Classification: Uncertain significance. Last evaluated: 2022-05-13. Review status: criteria provided, single submitter. Criteria: GeneDx Variant Classification Process June 2021. Collection method: clinical testing. Allele origin: germline. Affected: yes.
Comment: In-frame deletion of 4 amino acids in a non-repeat region; In silico analysis supports a deleterious effect on protein structure/function; Has not been previously published as pathogenic or benign to our knowledge

PreventionGenetics, part of Exact Sciences
Classification: Uncertain significance for KMT2D-related condition. Last evaluated: 2024-03-27. Review status: no assertion criteria provided. Collection method: clinical testing. Allele origin: germline. Not counted in ClinVar's aggregate classification.
Comment: The KMT2D c.2737_2748del12 variant is predicted to result in an in-frame deletion (p.Glu913_Pro916del). To our knowledge, this variant has not been reported in the literature. This variant is reported in 0.0011% of alleles in individuals of European (Non-Finnish) descent in gnomAD. At this time, the clinical significance of this variant is uncertain due to the absence of conclusive functional and genetic evidence.